The following is an entry in ClinVar:

NM_033118.4(MYLK2):c.793G>A (p.Ala265Thr)

Gene: MYLK2 (myosin light chain kinase 2; plus strand). Cytogenetic location: 20q11.21.
Variant type: single nucleotide variant.
Coding change: c.793G>A on transcript NM_033118.4 (MANE Select); coding-DNA position 793, G replaced by A.
Protein change: p.Ala265Thr; replaces alanine 265 with threonine.
Molecular consequence: missense variant.
Genome position (GRCh38, 1-based): chr20:31,823,497, G>A. VCF-style: chr20-31823497-G-A. GRCh37 (hg19) VCF-style: chr20-30411300-G-A.
Other names: short protein forms A265T.
Identifiers: ClinVar variation 5019718 (VCV005019718.2).

ClinVar aggregate classification (germline): Uncertain significance (1 of 4 stars; one submission).

Conditions:
Hypertrophic cardiomyopathy 1 (CMH1). Also called: Familial hypertrophic cardiomyopathy 1; MYH7-Related Familial Hypertrophic Cardiomyopathy. Identifiers: MedGen C3495498, MONDO:0008647, OMIM 192600.

Submission:

Juno Genomics, Hangzhou Juno Genomics, Inc
Classification: Uncertain significance for Hypertrophic cardiomyopathy 1. Review status: criteria provided, single submitter. Criteria: ACMG Guidelines, 2015. Collection method: clinical testing. Allele origin: germline.
Comment: Absent from controls (or at extremely low frequency if recessive) in Genome Aggregation Database.